The following is an entry in ClinVar:

NM_007194.4(CHEK2):c.993G>C (p.Met331Ile)

Gene: CHEK2 (checkpoint kinase 2; minus strand). Cytogenetic location: 22q12.1.
Variant type: single nucleotide variant.
Coding change: c.993G>C on transcript NM_007194.4 (MANE Select); coding-DNA position 993, G replaced by C.
Protein change: p.Met331Ile; replaces methionine 331 with isoleucine.
Molecular consequence: missense variant.
Genome position (GRCh38, 1-based): chr22:28,699,853, C>G on the plus strand (G>C on the coding strand, the complement: CHEK2 is on the minus strand). VCF-style: chr22-28699853-C-G. GRCh37 (hg19) VCF-style: chr22-29095841-C-G.
Other names: c.1122G>C, p.Met374Ile (NM_001005735.3); c.330G>C, p.Met110Ile (NM_001257387.3); c.792G>C, p.Met264Ile (NM_001349956.3); c.993G>C, p.Met331Ile (NM_145862.3); short protein forms M331I, M374I, M110I, M264I.
Identifiers: ClinVar variation 849853 (VCV000849853.10), dbSNP rs2052758465, ClinGen allele CA411099445.

ClinVar aggregate classification (germline): Uncertain significance (1 of 4 stars; one submission).

Conditions:
Familial cancer of breast. Also called: BREAST CANCER, FAMILIAL; Hereditary breast cancer; hereditary breast carcinoma. Identifiers: Orphanet 227535, MedGen C0346153, MONDO:0016419, OMIM 114480. Disease mechanism: loss of function.

Submission:

Labcorp Genetics (formerly Invitae), Labcorp
Classification: Uncertain significance for Familial cancer of breast. Last evaluated: 2019-03-22. Review status: criteria provided, single submitter. Criteria: Invitae Variant Classification Sherloc (09022015). Collection method: clinical testing. Allele origin: germline.
Comment: In summary, the available evidence is currently insufficient to determine the role of this variant in disease. Therefore, it has been classified as a Variant of Uncertain Significance. Algorithms developed to predict the effect of missense changes on protein structure and function are either unavailable or do not agree on the potential impact of this missense change (SIFT: "Deleterious"; PolyPhen-2: "Probably Damaging"; Align-GVGD: "Class C0"). This variant has not been reported in the literature in individuals with CHEK2-related conditions. This variant is not present in population databases (ExAC no frequency). This sequence change replaces methionine with isoleucine at codon 331 of the CHEK2 protein (p.Met331Ile). The methionine residue is highly conserved and there is a small physicochemical difference between methionine and isoleucine.